The following is an entry in ClinVar:

ClinVar aggregate classification (germline): Likely benign. Review status: criteria provided, single submitter (1 of 4 stars). 2 submissions from 2 submitters: Likely benign (1). 1 of the submissions does not count toward it. Last evaluated 2025-06-26.

Conditions:
Cognitive impairment - coarse facies - heart defects - obesity - pulmonary involvement - short stature - skeletal dysplasia syndrome. Also called: AFF4-Related CHOPS Syndrome; COGNITIVE IMPAIRMENT, COARSE FACIES, HEART DEFECTS, OBESITY, PULMONARY INVOLVEMENT, SHORT STATURE, AND SKELETAL DYSPLASIA; Chops syndrome. Identifiers: Orphanet 444077, MedGen C4085597, MONDO:0014609, OMIM 616368.
AFF4-related disorder. Also called: AFF4-related condition.

Submissions (2):

Labcorp Genetics (formerly Invitae), Labcorp
Classification: Likely benign for Cognitive impairment - coarse facies - heart defects - obesity - pulmonary involvement - short stature - skeletal dysplasia syndrome. Last evaluated: 2025-06-26. Review status: criteria provided, single submitter. Criteria: Invitae Variant Classification Sherloc (09022015). Collection method: clinical testing. Allele origin: germline.

PreventionGenetics, part of Exact Sciences
Classification: Likely benign for AFF4-related condition. Last evaluated: 2023-12-15. Review status: no assertion criteria provided. Collection method: clinical testing. Allele origin: germline. Not counted in ClinVar's aggregate classification.
Comment: This variant is classified as likely benign based on ACMG/AMP sequence variant interpretation guidelines (Richards et al. 2015 PMID: 25741868, with internal and published modifications).

NM_014423.4(AFF4):c.996G>A (p.Thr332=)

Gene: AFF4 (ALF transcription elongation factor 4; minus strand). Cytogenetic location: 5q31.1.
Variant type: single nucleotide variant.
Coding change: c.996G>A on transcript NM_014423.4 (MANE Select); coding-DNA position 996, G replaced by A.
Protein change: p.Thr332=; no amino-acid change (threonine 332 retained).
Molecular consequence: synonymous variant.
Genome position (GRCh38, 1-based): chr5:132,927,175, C>T on the plus strand (G>A on the coding strand, the complement: AFF4 is on the minus strand). VCF-style: chr5-132927175-C-T. GRCh37 (hg19) VCF-style: chr5-132262867-C-T.
Identifiers: ClinVar variation 3345296 (VCV003345296.2).